The following is an entry in ClinVar:

NM_001035.3(RYR2):c.12249C>A (p.Phe4083Leu)

Gene: RYR2 (ryanodine receptor 2; plus strand). Cytogenetic location: 1q43.
Variant type: single nucleotide variant.
Coding change: c.12249C>A on transcript NM_001035.3 (MANE Select); coding-DNA position 12249, C replaced by A.
Protein change: p.Phe4083Leu; replaces phenylalanine 4083 with leucine.
Molecular consequence: missense variant.
Genome position (GRCh38, 1-based): chr1:237,783,961, C>A. VCF-style: chr1-237783961-C-A. GRCh37 (hg19) VCF-style: chr1-237947261-C-A.
Other names: c.12249C>A, p.Phe4083Leu (LRG_402t1); short protein forms F4083L.
Identifiers: ClinVar variation 532356 (VCV000532356.17), dbSNP rs371599450, ClinGen allele CA085158.

ClinVar aggregate classification (germline): Uncertain significance. Review status: criteria provided, multiple submitters, no conflicts (2 of 4 stars). 5 submissions from 5 submitters: Uncertain significance (5). Last evaluated 2025-12-14.

Conditions:
Catecholaminergic polymorphic ventricular tachycardia (CVPT). Also called: Catecholamine-induced polymorphic ventricular tachycardia. Identifiers: Orphanet 3286, MedGen C5574922, MONDO:0017990.
Cardiomyopathy (CMYO). Also called: Cardiomyopathies. Identifiers: Orphanet 167848, MedGen C0878544, MONDO:0004994, HP:0001638. Inheritance: Various modes of inheritance.
Cardiovascular phenotype. Identifiers: MedGen CN230736.
Catecholaminergic polymorphic ventricular tachycardia 1. Also called: VENTRICULAR TACHYCARDIA, CATECHOLAMINERGIC POLYMORPHIC, 1, WITH OR WITHOUT ATRIAL DYSFUNCTION AND/OR DILATED CARDIOMYOPATHY; RYR2-Related Catecholaminergic Polymorphic Ventricular Tachycardia; VENTRICULAR TACHYCARDIA, STRESS-INDUCED POLYMORPHIC 1. Identifiers: Orphanet 3286, MedGen C1631597, MONDO:0011484, OMIM 604772.

Allele frequency attached by ClinVar (database versions not stated): TOPMed 0.00001; ESP Exome Variant Server 0.00008.
gnomAD v4.1: 64 of 1,613,646 alleles (0.004%); highest among the groups gnomAD compares: Non-Finnish European, 0.0053%; no homozygotes.

Submissions (5):

Labcorp Genetics (formerly Invitae), Labcorp
Classification: Uncertain significance for Catecholaminergic polymorphic ventricular tachycardia 1. Last evaluated: 2025-12-14. Review status: criteria provided, single submitter. Criteria: Invitae Variant Classification Sherloc (09022015). Collection method: clinical testing. Allele origin: germline.
Comment: This sequence change replaces phenylalanine, which is neutral and non-polar, with leucine, which is neutral and non-polar, at codon 4083 of the RYR2 protein (p.Phe4083Leu). This variant is present in population databases (rs371599450, gnomAD 0.003%). This variant has not been reported in the literature in individuals affected with RYR2-related conditions. ClinVar contains an entry for this variant (Variation ID: 532356). Invitae Evidence Modeling of protein sequence and biophysical properties (such as structural, functional, and spatial information, amino acid conservation, physicochemical variation, residue mobility, and thermodynamic stability) indicates that this missense variant is expected to disrupt RYR2 protein function with a positive predictive value of 95%. In summary, the available evidence is currently insufficient to determine the role of this variant in disease. Therefore, it has been classified as a Variant of Uncertain Significance.

Ambry Genetics
Classification: Uncertain significance for Cardiovascular phenotype. Last evaluated: 2025-11-04. Review status: criteria provided, single submitter. Criteria: Ambry Variant Classification Scheme 2023. Collection method: clinical testing. Allele origin: germline.
Comment: The p.F4083L variant (also known as c.12249C>A), located in coding exon 90 of the RYR2 gene, results from a C to A substitution at nucleotide position 12249. The phenylalanine at codon 4083 is replaced by leucine, an amino acid with highly similar properties. This amino acid position is highly conserved in available vertebrate species. In addition, this alteration is predicted to be deleterious by in silico analysis. Based on the available evidence, the clinical significance of this variant remains unclear.

GeneDx
Classification: Uncertain significance. Last evaluated: 2025-06-11. Review status: criteria provided, single submitter. Criteria: GeneDx Variant Classification Process June 2021. Collection method: clinical testing. Allele origin: germline. Affected: yes.
Comment: Not observed at significant frequency in large population cohorts (gnomAD); In silico analysis supports that this missense variant has a deleterious effect on protein structure/function; Has not been previously published as pathogenic or benign to our knowledge; Located in one of the three hot-spot regions of the RYR2 gene, where the majority of pathogenic missense variants occur (PMID: 19926015); This variant is associated with the following publications: (PMID: 19926015)

All of Us Research Program, National Institutes of Health
Classification: Uncertain significance for Catecholaminergic polymorphic ventricular tachycardia. Last evaluated: 2023-10-06. Review status: criteria provided, single submitter. Criteria: ACMG Guidelines, 2015. Collection method: clinical testing. Allele origin: germline. Inheritance: Autosomal dominant inheritance. Observed: 1 variant allele, 1 heterozygote.
Comment: This missense variant replaces phenylalanine with leucine at codon 4083 of the RYR2 protein. Computational prediction suggests that this variant may have deleterious impact on protein structure and function (internally defined REVEL score threshold >= 0.7, PMID: 27666373). To our knowledge, functional studies have not been reported for this variant. This variant has not been reported in individuals affected with RYR2-related disorders in the literature. This variant has been identified in 3/247286 chromosomes in the general population by the Genome Aggregation Database (gnomAD). The available evidence is insufficient to determine the role of this variant in disease conclusively. Therefore, this variant is classified as a Variant of Uncertain Significance.

This study involves interpretation of variants in research participants for the purpose of population health screening. Participant phenotype was not available at the time of variant classification. Additional details can be found in publication PMID: 35346344, PMCID: PMC8962531

Color Diagnostics, LLC DBA Color Health
Classification: Uncertain significance for Cardiomyopathy. Last evaluated: 2023-09-28. Review status: criteria provided, single submitter. Criteria: ACMG Guidelines, 2015. Collection method: clinical testing. Allele origin: germline.
Comment: This missense variant replaces phenylalanine with leucine at codon 4083 of the RYR2 protein. Computational prediction suggests that this variant may have deleterious impact on protein structure and function (internally defined REVEL score threshold >= 0.7, PMID: 27666373). To our knowledge, functional studies have not been reported for this variant. This variant has not been reported in individuals affected with RYR2-related disorders in the literature. This variant has been identified in 3/247286 chromosomes in the general population by the Genome Aggregation Database (gnomAD). The available evidence is insufficient to determine the role of this variant in disease conclusively. Therefore, this variant is classified as a Variant of Uncertain Significance.